The following is an entry in ClinVar:

NM_004944.4(DNASE1L3):c.448G>A (p.Val150Met)

Gene: DNASE1L3 (deoxyribonuclease 1L3; minus strand). Cytogenetic location: 3p14.3.
Variant type: single nucleotide variant.
Coding change: c.448G>A on transcript NM_004944.4 (MANE Select); coding-DNA position 448, G replaced by A.
Protein change: p.Val150Met; replaces valine 150 with methionine.
Molecular consequence: missense variant.
Genome position (GRCh38, 1-based): chr3:58,201,095, C>T on the plus strand (G>A on the coding strand, the complement: DNASE1L3 is on the minus strand). VCF-style: chr3-58201095-C-T. GRCh37 (hg19) VCF-style: chr3-58186822-C-T.
Other names: c.358G>A, p.Val120Met (NM_001256560.2); short protein forms V120M, V150M.
Identifiers: ClinVar variation 1404334 (VCV001404334.7), dbSNP rs146805633, ClinGen allele CA2469975.

ClinVar aggregate classification (germline): Uncertain significance. Review status: criteria provided, multiple submitters, no conflicts (2 of 4 stars). 2 submissions from 2 submitters: Uncertain significance (2). Last evaluated 2024-01-22.

Conditions:
Autosomal systemic lupus erythematosus type 16. Also called: Systemic lupus erythematosus 16. Identifiers: Orphanet 300345, MedGen C3280742, MONDO:0013743, OMIM 614420.

Allele frequency attached by ClinVar (database versions not stated): gnomAD 0.00002 and 0.00005; TOPMed 0.00005; ESP Exome Variant Server 0.00008; ExAC 0.00014; 1000 Genomes Project 30x 0.00016; 1000 Genomes Project 0.00020.
gnomAD v4.1: 100 of 1,608,056 alleles (0.0062%); highest among the groups gnomAD compares: East Asian, 0.1%; no homozygotes.

Submissions (2):

Fulgent Genetics
Classification: Uncertain significance for Autosomal systemic lupus erythematosus type 16. Last evaluated: 2024-01-22. Review status: criteria provided, single submitter. Criteria: ACMG Guidelines, 2015. Collection method: clinical testing. Allele origin: germline.

Labcorp Genetics (formerly Invitae), Labcorp
Classification: Uncertain significance. Last evaluated: 2022-07-08. Review status: criteria provided, single submitter. Criteria: Invitae Variant Classification Sherloc (09022015). Collection method: clinical testing. Allele origin: germline.
Comment: This sequence change replaces valine, which is neutral and non-polar, with methionine, which is neutral and non-polar, at codon 150 of the DNASE1L3 protein (p.Val150Met). This variant is present in population databases (rs146805633, gnomAD 0.1%). This variant has not been reported in the literature in individuals affected with DNASE1L3-related conditions. ClinVar contains an entry for this variant (Variation ID: 1404334). Algorithms developed to predict the effect of missense changes on protein structure and function are either unavailable or do not agree on the potential impact of this missense change (SIFT: "Deleterious"; PolyPhen-2: "Probably Damaging"; Align-GVGD: "Class C0"). Experimental studies have shown that this missense change affects DNASE1L3 function (PMID: 24206041). In summary, the available evidence is currently insufficient to determine the role of this variant in disease. Therefore, it has been classified as a Variant of Uncertain Significance.

Literature cited by the submitters: PubMed 24206041 (cited by Labcorp Genetics (formerly Invitae), Labcorp).